The following is an entry in ClinVar:

NM_006084.5(IRF9):c.458C>T (p.Thr153Ile)

Gene: IRF9 (interferon regulatory factor 9; plus strand). Cytogenetic location: 14q12.
Variant type: single nucleotide variant.
Coding change: c.458C>T on transcript NM_006084.5 (MANE Select); coding-DNA position 458, C replaced by T.
Protein change: p.Thr153Ile; replaces threonine 153 with isoleucine.
Molecular consequence: missense variant.
Genome position (GRCh38, 1-based): chr14:24,163,471, C>T. VCF-style: chr14-24163471-C-T. GRCh37 (hg19) VCF-style: chr14-24632680-C-T.
Other names: c.458C>T, p.Thr153Ile (NM_001385400.1, NM_001385401.1, NM_001385402.1); c.458C>T (NM_006084.4); short protein forms T153I.
Identifiers: ClinVar variation 1475845 (VCV001475845.8), dbSNP rs749049284, ClinGen allele CA7126441.

ClinVar aggregate classification (germline): Conflicting classifications of pathogenicity. Review status: criteria provided, conflicting classifications (1 of 4 stars). 3 submissions from 3 submitters: Uncertain significance (2); Likely benign (1). Last evaluated 2025-09-08.

Allele frequency attached by ClinVar (database versions not stated): gnomAD exomes 0.00002 and 0.00003; ExAC 0.00003; gnomAD 0.00004; TOPMed 0.00004.
gnomAD v4.1: 51 of 1,614,226 alleles (0.0032%); highest among the groups gnomAD compares: Middle Eastern, 0.016%; no homozygotes.

Submissions (3):

Labcorp Genetics (formerly Invitae), Labcorp
Classification: Uncertain significance. Last evaluated: 2025-09-08. Review status: criteria provided, single submitter. Criteria: Invitae Variant Classification Sherloc (09022015). Collection method: clinical testing. Allele origin: germline.
Comment: This sequence change replaces threonine, which is neutral and polar, with isoleucine, which is neutral and non-polar, at codon 153 of the IRF9 protein (p.Thr153Ile). This variant is present in population databases (rs749049284, gnomAD 0.01%). This variant has not been reported in the literature in individuals affected with IRF9-related conditions. ClinVar contains an entry for this variant (Variation ID: 1475845). An algorithm developed to predict the effect of missense changes on protein structure and function outputs the following: PolyPhen-2: "Benign". The isoleucine amino acid residue is found in multiple mammalian species, which suggests that this missense change does not adversely affect protein function. In summary, the available evidence is currently insufficient to determine the role of this variant in disease. Therefore, it has been classified as a Variant of Uncertain Significance.

Ambry Genetics
Classification: Likely benign. Last evaluated: 2021-06-21. Review status: criteria provided, single submitter. Criteria: Ambry Variant Classification Scheme 2023. Collection method: clinical testing. Allele origin: germline.

Breakthrough Genomics
Classification: Uncertain significance. Review status: criteria provided, single submitter. Criteria: ACMG Guidelines, 2015. Collection method: not provided. Allele origin: germline. Inheritance: Autosomal recessive inheritance. Affected: yes.